The following is an entry in ClinVar:

ClinVar aggregate classification (germline): Uncertain significance. Review status: criteria provided, multiple submitters, no conflicts (2 of 4 stars). 2 submissions from 2 submitters: Uncertain significance (2). Last evaluated 2025-08-12.

Conditions:
Inborn genetic diseases. Identifiers: MedGen C0950123, MeSH D030342.

Allele frequency attached by ClinVar (database versions not stated): ExAC 0.00002; gnomAD exomes 0.00003; gnomAD 0.00005; TOPMed 0.00006; 1000 Genomes Project 30x 0.00016; 1000 Genomes Project 0.00020.
gnomAD v4.1: 46 of 1,613,872 alleles (0.0029%); highest among the groups gnomAD compares: East Asian, 0.033%; no homozygotes.

Submissions (2):

Ambry Genetics
Classification: Uncertain significance for Inborn genetic diseases. Last evaluated: 2025-08-12. Review status: criteria provided, single submitter. Criteria: Ambry Variant Classification Scheme 2023. Collection method: clinical testing. Allele origin: germline.

GeneDx
Classification: Uncertain significance. Last evaluated: 2025-04-20. Review status: criteria provided, single submitter. Criteria: GeneDx Variant Classification Process June 2021. Collection method: clinical testing. Allele origin: germline. Affected: yes.
Comment: In silico analysis indicates that this missense variant does not alter protein structure/function; Has not been previously published as pathogenic or benign to our knowledge

NM_000228.3(LAMB3):c.3067C>T (p.Arg1023Trp)

Gene: LAMB3 (laminin subunit beta 3; minus strand). Cytogenetic location: 1q32.2.
Variant type: single nucleotide variant.
Coding change: c.3067C>T on transcript NM_000228.3 (MANE Select); coding-DNA position 3067, C replaced by T.
Protein change: p.Arg1023Trp; replaces arginine 1023 with tryptophan.
Molecular consequence: missense variant.
Genome position (GRCh38, 1-based): chr1:209,617,571, G>A on the plus strand (C>T on the coding strand, the complement: LAMB3 is on the minus strand). VCF-style: chr1-209617571-G-A. GRCh37 (hg19) VCF-style: chr1-209790916-G-A.
Other names: c.3067C>T, p.Arg1023Trp (NM_001017402.2, NM_001127641.1); short protein forms R1023W.
Identifiers: ClinVar variation 2370275 (VCV002370275.4), dbSNP rs199980014, ClinGen allele CA1374979.